The following is an entry in ClinVar:

ClinVar aggregate classification (germline): Likely benign. Review status: criteria provided, multiple submitters, no conflicts (2 of 4 stars). 2 submissions from 2 submitters: Likely benign (2). Last evaluated 2025-05-27.

Conditions:
Tuberous sclerosis 2 (TSC2). Identifiers: Orphanet 805, MedGen C1860707, MONDO:0013199, OMIM 613254.

Submissions (2):

Myriad Genetics, Inc.
Classification: Likely benign for Tuberous sclerosis 2. Last evaluated: 2025-05-27. Review status: criteria provided, single submitter. Criteria: Myriad Autosomal Dominant, Autosomal Recessive and X-Linked Classification Criteria (2023). Collection method: clinical testing. Allele origin: unknown.
Comment: This variant is considered likely benign. This variant is intronic and is not expected to impact mRNA splicing.

Labcorp Genetics (formerly Invitae), Labcorp
Classification: Likely benign for Tuberous sclerosis 2. Last evaluated: 2024-04-10. Review status: criteria provided, single submitter. Criteria: Invitae Variant Classification Sherloc (09022015). Collection method: clinical testing. Allele origin: germline.

NM_000548.5(TSC2):c.2837+7C>G

Gene: TSC2 (TSC complex subunit 2; plus strand). Cytogenetic location: 16p13.3.
Variant type: single nucleotide variant.
Coding change: c.2837+7C>G on transcript NM_000548.5 (MANE Select); 7 bases into the intron after coding-DNA position 2837, C replaced by G.
Molecular consequence: intron variant.
Genome position (GRCh38, 1-based): chr16:2,076,592, C>G. VCF-style: chr16-2076592-C-G. GRCh37 (hg19) VCF-style: chr16-2126593-C-G.
Other names: c.2837+7C>G (NM_001114382.3, NM_021055.3, NM_001370405.1 and 3 more transcripts); c.2726+7C>G (NM_001318827.2); c.2237+7C>G (NM_001318831.2); c.2690+7C>G (NM_001318829.2); c.2870+7C>G (NM_001318832.2).
Identifiers: ClinVar variation 1153056 (VCV001153056.11), dbSNP rs2089418654, ClinGen allele CA2202020671.
Genomic context (GRCh38, chr16:2,076,592, plus strand): 5'-CGAGAAGGACAGCTTCAGGGCCCGGAGTACTAGTCTCAACGAGAGACCCAAGAGGTACGG[C>G]CTGCGGGGGTGTGCCTGGAGTCGGTGTGGGGTGGGGAAGGACATGGGGCTGTGGCCTGCC-3'